The following is an entry in ClinVar:

NM_000466.3(PEX1):c.1672G>T (p.Gly558Ter)

Gene: PEX1 (peroxisomal biogenesis factor 1; minus strand). Cytogenetic location: 7q21.2.
Variant type: single nucleotide variant.
Coding change: c.1672G>T on transcript NM_000466.3 (MANE Select); coding-DNA position 1672, G replaced by T.
Protein change: p.Gly558Ter; replaces glycine 558 with a stop codon.
Molecular consequence: nonsense.
Genome position (GRCh38, 1-based): chr7:92,507,125, C>A on the plus strand (G>T on the coding strand, the complement: PEX1 is on the minus strand). VCF-style: chr7-92507125-C-A. GRCh37 (hg19) VCF-style: chr7-92136439-C-A.
Other names: c.1672G>T, p.Gly558Ter (NM_001282677.2); c.1048G>T, p.Gly350Ter (NM_001282678.2); short protein forms G350*, G558*.
Identifiers: ClinVar variation 1453986 (VCV001453986.6), dbSNP rs2116181877, ClinGen allele CA368188022.
Genomic context (GRCh38, chr7:92,507,125, plus strand): 5'-GGCGTCCCAGGAGGCTGTGAGTGATGTGCTCCAAGGAGGATACGCCTAAGGAATTCACTC[C>A]TCTGTAAAAAATATACATAGTTACATGATAAAAGACTGAAGCAGGATAAAATTTAGCTAT-3'

ClinVar aggregate classification (germline): Pathogenic (1 of 4 stars; one submission).

Conditions:
Zellweger spectrum disorders (ZS). Also called: Zellweger Spectrum Disorder; Zellweger Spectrum; Zellweger Spectrum Disorder (ZSD); Zellweger syndrome. Identifiers: Orphanet 912, MedGen C0043459, MONDO:0019609.

Allele frequency attached by ClinVar (database versions not stated): gnomAD exomes below 0.00001.
gnomAD v4.1: 2 of 1,613,188 alleles (0.00012%); highest among the groups gnomAD compares: African/African-American, 0.0027%; no homozygotes.

Submission:

Labcorp Genetics (formerly Invitae), Labcorp
Classification: Pathogenic for Zellweger spectrum disorders. Last evaluated: 2020-11-14. Review status: criteria provided, single submitter. Criteria: Invitae Variant Classification Sherloc (09022015). Collection method: clinical testing. Allele origin: germline.
Comment: For these reasons, this variant has been classified as Pathogenic. This variant has not been reported in the literature in individuals with PEX1-related conditions. This variant is not present in population databases (ExAC no frequency). This sequence change creates a premature translational stop signal (p.Gly558*) in the PEX1 gene. It is expected to result in an absent or disrupted protein product. Loss-of-function variants in PEX1 are known to be pathogenic (PMID: 9398847, 16086329, 16141001, 21031596, 26387595, 31831025).

Literature cited by the submitters: PubMed 9398847; PubMed 16086329; PubMed 16141001; PubMed 21031596; PubMed 26387595; PubMed 31831025.